The following is an entry in ClinVar:

NM_001453.3(FOXC1):c.712dup (p.Gln238fs)

Gene: FOXC1 (forkhead box C1; plus strand). Cytogenetic location: 6p25.3.
Variant type: Duplication.
Coding change: c.712dup on transcript NM_001453.3 (MANE Select); coding-DNA position 712, one base duplicated (C; older notation c.712dupC).
Protein change: p.Gln238fs; shifts the reading frame from glutamine 238.
Molecular consequence: frameshift variant.
Genome position (GRCh38, 1-based): chr6:1,611,157, C duplicated; the last of 4 consecutive C bases (chr6:1,611,154-1,611,157); duplicating any one gives the same sequence. VCF-style (leftmost placement, unchanged base first): chr6-1611153-G-GC. GRCh37 (hg19) VCF-style: chr6-1611388-G-GC.
Other names: c.712dupC (NM_001453.2); short protein forms Q238fs.
Identifiers: ClinVar variation 943725 (VCV000943725.6), dbSNP rs1762534894, ClinGen allele CA1139659302.

ClinVar aggregate classification (germline): Pathogenic. Review status: criteria provided, multiple submitters, no conflicts (2 of 4 stars). 2 submissions from 2 submitters: Pathogenic (2). Last evaluated 2026-01-05.

Conditions:
Inborn genetic diseases. Identifiers: MedGen C0950123, MeSH D030342.
Axenfeld-Rieger syndrome type 3 (RIEG3). Also called: AXENFELD-RIEGER ANOMALY WITH CARDIAC DEFECTS AND/OR SENSORINEURAL HEARING LOSS. Identifiers: Orphanet 782, MedGen C2678503, MONDO:0011233, OMIM 602482.

Submissions (2):

Ambry Genetics
Classification: Pathogenic for Inborn genetic diseases. Last evaluated: 2026-01-05. Review status: criteria provided, single submitter. Criteria: Ambry Variant Classification Scheme 2023. Collection method: clinical testing. Allele origin: germline.
Comment: The c.712dupC (p.Q238Pfs*68) alteration, located in exon 1 (coding exon 1) of the FOXC1 gene, consists of a duplication of C at position 712, causing a translational frameshift with a predicted alternate stop codon after 68 amino acids. This variant is not expected to trigger nonsense-mediated mRNA decay, and impacts the last 57% of the protein. However, premature stop codons are typically deleterious in nature, the impacted region is critical for protein function (Ambry internal data), and a significant portion of the protein is affected (Ambry internal data). This variant was not reported in population-based cohorts in the Genome Aggregation Database (gnomAD). Based on the available evidence, this alteration is classified as pathogenic.

Labcorp Genetics (formerly Invitae), Labcorp
Classification: Pathogenic for Axenfeld-Rieger syndrome type 3. Last evaluated: 2021-09-01. Review status: criteria provided, single submitter. Criteria: Invitae Variant Classification Sherloc (09022015). Collection method: clinical testing. Allele origin: germline.